The following is an entry in ClinVar:

ClinVar aggregate classification (germline): Uncertain significance (1 of 4 stars; one submission).

Allele frequency attached by ClinVar (database versions not stated): TOPMed below 0.00001; ExAC 0.00001; gnomAD 0.00001; gnomAD exomes 0.00001 and 0.00002; 1000 Genomes Project 30x 0.00016.
gnomAD v4.1: 25 of 1,613,746 alleles (0.0015%); highest among the groups gnomAD compares: East Asian, 0.0022%; no homozygotes.

Submission:

Labcorp Genetics (formerly Invitae), Labcorp
Classification: Uncertain significance. Last evaluated: 2021-08-13. Review status: criteria provided, single submitter. Criteria: Invitae Variant Classification Sherloc (09022015). Collection method: clinical testing. Allele origin: germline.
Comment: This sequence change replaces proline with leucine at codon 591 of the CDH23 protein (p.Pro591Leu). The proline residue is highly conserved and there is a moderate physicochemical difference between proline and leucine. This variant is present in population databases (rs777268112, ExAC 0.002%). This variant has not been reported in the literature in individuals affected with CDH23-related conditions. Algorithms developed to predict the effect of missense changes on protein structure and function are either unavailable or do not agree on the potential impact of this missense change (SIFT: "Deleterious"; PolyPhen-2: "Not Available"; Align-GVGD: "Class C65"). In summary, the available evidence is currently insufficient to determine the role of this variant in disease. Therefore, it has been classified as a Variant of Uncertain Significance.

NM_022124.6(CDH23):c.1772C>T (p.Pro591Leu)

Gene: CDH23 (cadherin related 23; plus strand). Cytogenetic location: 10q22.1.
Variant type: single nucleotide variant.
Coding change: c.1772C>T on transcript NM_022124.6 (MANE Select); coding-DNA position 1772, C replaced by T.
Protein change: p.Pro591Leu; replaces proline 591 with leucine.
Molecular consequence: missense variant.
Genome position (GRCh38, 1-based): chr10:71,679,406, C>T. VCF-style: chr10-71679406-C-T. GRCh37 (hg19) VCF-style: chr10-73439163-C-T.
Other names: c.1772C>T, p.Pro591Leu (NM_001171930.2, NM_001171931.2); short protein forms P591L.
Identifiers: ClinVar variation 1363610 (VCV001363610.5), dbSNP rs777268112, ClinGen allele CA5543961.